The following is an entry in ClinVar:

NM_002439.5(MSH3):c.593T>C (p.Phe198Ser)

Gene: MSH3 (mutS homolog 3; plus strand). Cytogenetic location: 5q14.1.
Variant type: single nucleotide variant.
Coding change: c.593T>C on transcript NM_002439.5 (MANE Select); coding-DNA position 593, T replaced by C.
Protein change: p.Phe198Ser; replaces phenylalanine 198 with serine.
Molecular consequence: missense variant.
Genome position (GRCh38, 1-based): chr5:80,670,110, T>C. VCF-style: chr5-80670110-T-C. GRCh37 (hg19) VCF-style: chr5-79965929-T-C.
Other names: c.593T>C (NM_002439.3); short protein forms F198S.
Identifiers: ClinVar variation 1008400 (VCV001008400.9), dbSNP rs766194502, ClinGen allele CA3327652.
Genomic context (GRCh38, chr5:80,670,110, plus strand): 5'-TATTGTGGTTAATATTTTTAAAACTTTATACATCTTTTGGTTGCCAGGACACAACACTTT[T>C]TGATCTCAGTCAGTTTGGATCATCAAATACAAGTCATGAAAATTTACAGAAAACTGCTTC-3'
Protein context (NP_002430.3, residues 188-208): RQINQKDTTL[Phe198Ser]DLSQFGSSNT

ClinVar aggregate classification (germline): Uncertain significance. Review status: criteria provided, multiple submitters, no conflicts (2 of 4 stars). 2 submissions from 2 submitters: Uncertain significance (2). Last evaluated 2025-06-08.

Conditions:
Hereditary cancer-predisposing syndrome. Also called: Tumor predisposition; Hereditary neoplastic syndrome; Neoplastic Syndromes, Hereditary; Hereditary Cancer Syndrome. Identifiers: Orphanet 140162, MedGen C0027672, MeSH D009386, MONDO:0015356.

Allele frequency attached by ClinVar (database versions not stated): ExAC 0.00001; gnomAD exomes 0.00001.
gnomAD v4.1: 1 of 1,614,148 alleles (0.000062%); highest among the groups gnomAD compares: Non-Finnish European, 0.000085%; no homozygotes.

Submissions (2):

Ambry Genetics
Classification: Uncertain significance for Hereditary cancer-predisposing syndrome. Last evaluated: 2025-06-08. Review status: criteria provided, single submitter. Criteria: Ambry Variant Classification Scheme 2023. Collection method: clinical testing. Allele origin: germline.
Comment: The p.F198S variant (also known as c.593T>C), located in coding exon 4 of the MSH3 gene, results from a T to C substitution at nucleotide position 593. The phenylalanine at codon 198 is replaced by serine, an amino acid with highly dissimilar properties. This amino acid position is conserved. In addition, this alteration is predicted to be tolerated by in silico analysis. Based on the available evidence, the clinical significance of this variant remains unclear.

Labcorp Genetics (formerly Invitae), Labcorp
Classification: Uncertain significance. Last evaluated: 2020-07-23. Review status: criteria provided, single submitter. Criteria: Invitae Variant Classification Sherloc (09022015). Collection method: clinical testing. Allele origin: germline.
Comment: In summary, the available evidence is currently insufficient to determine the role of this variant in disease. Therefore, it has been classified as a Variant of Uncertain Significance. Algorithms developed to predict the effect of missense changes on protein structure and function output the following: SIFT: "Tolerated"; PolyPhen-2: "Benign"; Align-GVGD: "Class C0". The serine amino acid residue is found in multiple mammalian species, suggesting that this missense change does not adversely affect protein function. These predictions have not been confirmed by published functional studies and their clinical significance is uncertain. This variant has not been reported in the literature in individuals with MSH3-related conditions. This variant is present in population databases (rs766194502, ExAC 0.002%). This sequence change replaces phenylalanine with serine at codon 198 of the MSH3 protein (p.Phe198Ser). The phenylalanine residue is weakly conserved and there is a large physicochemical difference between phenylalanine and serine.